The following is an entry in ClinVar:

NM_001376131.1(BTBD8):c.1032G>A (p.Lys344=)

Gene: BTBD8 (BTB domain containing 8; plus strand). Cytogenetic location: 1p22.1.
Variant type: single nucleotide variant.
Coding change: c.1032G>A on transcript NM_001376131.1 (MANE Select); coding-DNA position 1032, G replaced by A.
Protein change: p.Lys344=; no amino-acid change (lysine 344 retained).
Molecular consequence: synonymous variant.
Genome position (GRCh38, 1-based): chr1:92,147,696, G>A. VCF-style: chr1-92147696-G-A. GRCh37 (hg19) VCF-style: chr1-92613253-G-A.
Identifiers: ClinVar variation 2638929 (VCV002638929.24), dbSNP rs139460683, ClinGen allele CA949646.

ClinVar aggregate classification (germline): Likely benign (1 of 4 stars; one submission).

Allele frequency attached by ClinVar (database versions not stated): 1000 Genomes Project 0.00140; 1000 Genomes Project 30x 0.00156; TOPMed 0.00199; gnomAD 0.00202; ExAC 0.00233; ESP Exome Variant Server 0.00323.
gnomAD v4.1: 4,691 of 1,607,862 alleles (0.29%); highest among the groups gnomAD compares: Non-Finnish European, 0.36%; 14 homozygotes.

Submission:

CeGaT Center for Human Genetics Tuebingen
Classification: Likely benign. Last evaluated: 2023-01-01. Review status: criteria provided, single submitter. Criteria: CeGaT Center For Human Genetics Tuebingen Variant Classification Criteria Version 2. Collection method: clinical testing. Allele origin: germline. Affected: yes. Observed: 2 variant alleles.
Comment: BTBD8: BP4, BP7